The following is an entry in ClinVar:

NM_001184.4(ATR):c.2633+5A>G

Gene: ATR (ATR checkpoint kinase; minus strand). Cytogenetic location: 3q23.
Variant type: single nucleotide variant.
Coding change: c.2633+5A>G on transcript NM_001184.4 (MANE Select); 5 bases into the intron after coding-DNA position 2633, A replaced by G.
Molecular consequence: intron variant.
Genome position (GRCh38, 1-based): chr3:142,553,635, T>C on the plus strand (A>G on the coding strand, the complement: ATR is on the minus strand). VCF-style: chr3-142553635-T-C. GRCh37 (hg19) VCF-style: chr3-142272477-T-C.
Other names: c.2441+5A>G (NM_001354579.2).
Identifiers: ClinVar variation 4805659 (VCV004805659.1).

ClinVar aggregate classification (germline): Uncertain significance (1 of 4 stars; one submission).

gnomAD v4.1: 2 of 1,595,954 alleles (0.00013%); highest among the groups gnomAD compares: Admixed American, 0.0017%; no homozygotes.

Submission:

Labcorp Genetics (formerly Invitae), Labcorp
Classification: Uncertain significance. Last evaluated: 2026-01-06. Review status: criteria provided, single submitter. Criteria: Invitae Variant Classification Sherloc (09022015). Collection method: clinical testing. Allele origin: germline.
Comment: This sequence change falls in intron 12 of the ATR gene. It does not directly change the encoded amino acid sequence of the ATR protein. It affects a nucleotide within the consensus splice site. This variant is present in population databases (no rsID available, gnomAD 0.004%). This variant has not been reported in the literature in individuals affected with ATR-related conditions. Variants that disrupt the consensus splice site are a relatively common cause of aberrant splicing (PMID: 17576681, 9536098). Algorithms developed to predict the effect of sequence changes on RNA splicing suggest that this variant is not likely to affect RNA splicing. In summary, the available evidence is currently insufficient to determine the role of this variant in disease. Therefore, it has been classified as a Variant of Uncertain Significance.

Literature cited by the submitters: PubMed 17576681; PubMed 9536098.